The following is an entry in ClinVar:

NM_001376.5(DYNC1H1):c.6278T>C (p.Leu2093Ser)

Gene: DYNC1H1 (dynein cytoplasmic 1 heavy chain 1; plus strand). Cytogenetic location: 14q32.31.
Variant type: single nucleotide variant.
Coding change: c.6278T>C on transcript NM_001376.5 (MANE Select); coding-DNA position 6278, T replaced by C.
Protein change: p.Leu2093Ser; replaces leucine 2093 with serine.
Molecular consequence: missense variant.
Genome position (GRCh38, 1-based): chr14:102,010,332, T>C. VCF-style: chr14-102010332-T-C. GRCh37 (hg19) VCF-style: chr14-102476669-T-C.
Other names: short protein forms L2093S.
Identifiers: ClinVar variation 2527480 (VCV002527480.3), dbSNP rs2503751938, ClinGen allele CA391054253.

ClinVar aggregate classification (germline): Uncertain significance. Review status: criteria provided, multiple submitters, no conflicts (2 of 4 stars). 2 submissions from 2 submitters: Uncertain significance (2). Last evaluated 2025-06-14.

Conditions:
Charcot-Marie-Tooth disease axonal type 2O. Also called: CHARCOT-MARIE-TOOTH NEUROPATHY, AXONAL, TYPE 2O; CHARCOT-MARIE-TOOTH DISEASE, AXONAL, AUTOSOMAL DOMINANT, TYPE 2O; Charcot-Marie-Tooth Neuropathy Type 2O; Charcot-Marie-Tooth disease, axonal, type 20. Identifiers: Orphanet 284232, MedGen C3280220, MONDO:0013644, OMIM 614228.
Inborn genetic diseases. Identifiers: MedGen C0950123, MeSH D030342.

Submissions (2):

Labcorp Genetics (formerly Invitae), Labcorp
Classification: Uncertain significance for Charcot-Marie-Tooth disease axonal type 2O. Last evaluated: 2025-06-14. Review status: criteria provided, single submitter. Criteria: Invitae Variant Classification Sherloc (09022015). Collection method: clinical testing. Allele origin: germline.
Comment: This sequence change replaces leucine, which is neutral and non-polar, with serine, which is neutral and polar, at codon 2093 of the DYNC1H1 protein (p.Leu2093Ser). This variant is not present in population databases (gnomAD no frequency). This variant has not been reported in the literature in individuals affected with DYNC1H1-related conditions. ClinVar contains an entry for this variant (Variation ID: 2527480). Invitae Evidence Modeling of protein sequence and biophysical properties (such as structural, functional, and spatial information, amino acid conservation, physicochemical variation, residue mobility, and thermodynamic stability) has been performed for this missense variant. However, the output from this modeling did not meet the statistical confidence thresholds required to predict the impact of this variant on DYNC1H1 protein function. In summary, the available evidence is currently insufficient to determine the role of this variant in disease. Therefore, it has been classified as a Variant of Uncertain Significance.

Ambry Genetics
Classification: Uncertain significance for Inborn genetic diseases. Last evaluated: 2023-03-22. Review status: criteria provided, single submitter. Criteria: Ambry Variant Classification Scheme 2023. Collection method: clinical testing. Allele origin: germline.